The following is an entry in ClinVar:

NM_014232.3(VAMP2):c.26C>T (p.Pro9Leu)

Genes: VAMP2 (vesicle associated membrane protein 2; minus strand), LOC130060218 (ATAC-STARR-seq lymphoblastoid silent region 8166; plus strand). Cytogenetic location: 17p13.1.
Variant type: single nucleotide variant.
Coding change: c.26C>T on transcript NM_014232.3 (MANE Select); coding-DNA position 26, C replaced by T.
Protein change: p.Pro9Leu; replaces proline 9 with leucine.
Molecular consequence: missense variant.
Genome position (GRCh38, 1-based): chr17:8,162,346, G>A on the plus strand (C>T on the coding strand, the complement: VAMP2 is on the minus strand). VCF-style: chr17-8162346-G-A. GRCh37 (hg19) VCF-style: chr17-8065664-G-A.
Other names: c.32C>T, p.Pro11Leu (NM_001330125.1); short protein forms P11L, P9L.
Identifiers: ClinVar variation 3383417 (VCV003383417.2).

ClinVar aggregate classification (germline): Uncertain significance (1 of 4 stars; one submission).

Submission:

Centre of Medical Genetics, University Hospital Muenster
Classification: Uncertain significance. Last evaluated: 2024-04-26. Review status: criteria provided, single submitter. Criteria: ACMG Guidelines, 2015. Collection method: clinical testing. Allele origin: unknown. Affected: yes. Observed: 1 variant allele, 1 heterozygote.
Comment: ACMG categories: PM2,PP3